The following is an entry in ClinVar:

NM_005188.4(CBL):c.481A>G (p.Met161Val)

Gene: CBL (Cbl proto-oncogene; plus strand). Cytogenetic location: 11q23.3.
Variant type: single nucleotide variant.
Coding change: c.481A>G on transcript NM_005188.4 (MANE Select); coding-DNA position 481, A replaced by G.
Protein change: p.Met161Val; replaces methionine 161 with valine.
Molecular consequence: missense variant.
Genome position (GRCh38, 1-based): chr11:119,271,772, A>G. VCF-style: chr11-119271772-A-G. GRCh37 (hg19) VCF-style: chr11-119142482-A-G.
Other names: short protein forms M161V.
Identifiers: ClinVar variation 2501347 (VCV002501347.2), dbSNP rs776426602, ClinGen allele CA382907186.

ClinVar aggregate classification (germline): Uncertain significance. Review status: criteria provided, multiple submitters, no conflicts (2 of 4 stars). 2 submissions from 2 submitters: Uncertain significance (2). Last evaluated 2025-03-14.

Conditions:
Cardiovascular phenotype. Identifiers: MedGen CN230736.

Submissions (2):

Ambry Genetics
Classification: Uncertain significance for Cardiovascular phenotype. Last evaluated: 2025-03-14. Review status: criteria provided, single submitter. Criteria: Ambry Variant Classification Scheme 2023. Collection method: clinical testing. Allele origin: germline.

GeneDx
Classification: Uncertain significance. Last evaluated: 2022-11-01. Review status: criteria provided, single submitter. Criteria: GeneDx Variant Classification Process June 2021. Collection method: clinical testing. Allele origin: germline. Affected: yes.
Comment: Not observed at significant frequency in large population cohorts (gnomAD); In silico analysis supports that this missense variant has a deleterious effect on protein structure/function; Has not been previously published as pathogenic or benign to our knowledge